The following is an entry in ClinVar:

NM_000551.4(VHL):c.430G>C (p.Gly144Arg)

Genes: VHL (von Hippel-Lindau tumor suppressor; plus strand), LOC107303340 (3p25 von Hippel-Lindau tumor suppressor, E3 ubiquitin protein ligase Alu-mediated recombination region; plus strand). Cytogenetic location: 3p25.3.
Variant type: single nucleotide variant.
Coding change: c.430G>C on transcript NM_000551.4 (MANE Select); coding-DNA position 430, G replaced by C.
Protein change: p.Gly144Arg; replaces glycine 144 with arginine.
Molecular consequence: missense variant. On other transcripts: intron variant (2).
Genome position (GRCh38, 1-based): chr3:10,146,603, G>C. VCF-style: chr3-10146603-G-C. GRCh37 (hg19) VCF-style: chr3-10188287-G-C.
Other names: c.*18-3184G>C (NM_001354723.2); c.341-3184G>C (NM_198156.3); short protein forms G144R.
Identifiers: ClinVar variation 526689 (VCV000526689.7), dbSNP rs869025650, ClinGen allele CA351754199.

ClinVar aggregate classification (germline): Uncertain significance (1 of 4 stars; one submission).

Conditions:
Chuvash polycythemia. Also called: POLYCYTHEMIA, VHL-DEPENDENT. Identifiers: Orphanet 238557, MedGen C1837915, MONDO:0009892, OMIM 263400.
Von Hippel-Lindau syndrome (VHLS). Also called: von Hippel–Lindau syndrome; VHL syndrome; Von Hippel-Lindau. Identifiers: Orphanet 892, MedGen C0019562, MONDO:0008667, OMIM 193300. Disease mechanism: loss of function.

gnomAD v4.1: 9 of 1,613,904 alleles (0.00056%); highest among the groups gnomAD compares: Non-Finnish European, 0.00076%; no homozygotes.

Submission:

Labcorp Genetics (formerly Invitae), Labcorp
Classification: Uncertain significance for Von Hippel-Lindau syndrome; Chuvash polycythemia. Last evaluated: 2023-08-17. Review status: criteria provided, single submitter. Criteria: Invitae Variant Classification Sherloc (09022015). Collection method: clinical testing. Allele origin: germline.
Comment: This sequence change replaces glycine, which is neutral and non-polar, with arginine, which is basic and polar, at codon 144 of the VHL protein (p.Gly144Arg). This variant is not present in population databases (gnomAD no frequency). This missense change has been observed in individual(s) with polycythemia and congenital erythrocytosis (PMID: 15921386, 24115288). ClinVar contains an entry for this variant (Variation ID: 526689). Advanced modeling of protein sequence and biophysical properties (such as structural, functional, and spatial information, amino acid conservation, physicochemical variation, residue mobility, and thermodynamic stability) performed at Invitae indicates that this missense variant is expected to disrupt VHL protein function. In summary, the available evidence is currently insufficient to determine the role of this variant in disease. Therefore, it has been classified as a Variant of Uncertain Significance.

Literature cited by the submitters: PubMed 15921386; PubMed 24115288.